The following is an entry in ClinVar:

ClinVar aggregate classification (germline): Benign (0 of 4 stars; one submission).

Conditions:
CAPN12-related disorder. Also called: CAPN12-related condition.

Allele frequency attached by ClinVar (database versions not stated): ExAC 0.00323; gnomAD 0.00960; 1000 Genomes Project 0.01078; TOPMed 0.01086; 1000 Genomes Project 30x 0.01171.
gnomAD v4.1: 2,586 of 1,465,884 alleles (0.18%); highest among the groups gnomAD compares: African/African-American, 3.4%; 43 homozygotes.

Submission:

PreventionGenetics, part of Exact Sciences
Classification: Benign for CAPN12-related condition. Last evaluated: 2019-10-28. Review status: no assertion criteria provided. Collection method: clinical testing. Allele origin: germline.
Comment: This variant is classified as benign based on ACMG/AMP sequence variant interpretation guidelines (Richards et al. 2015 PMID: 25741868, with internal and published modifications).

NM_144691.4(CAPN12):c.1434C>T (p.Ala478=)

Genes: CAPN12 (calpain 12; minus strand), LOC130064372 (ATAC-STARR-seq lymphoblastoid silent region 10581; plus strand). Cytogenetic location: 19q13.2.
Variant type: single nucleotide variant.
Coding change: c.1434C>T on transcript NM_144691.4 (MANE Select); coding-DNA position 1434, C replaced by T.
Protein change: p.Ala478=; no amino-acid change (alanine 478 retained).
Molecular consequence: synonymous variant.
Genome position (GRCh38, 1-based): chr19:38,736,259, G>A on the plus strand (C>T on the coding strand, the complement: CAPN12 is on the minus strand). VCF-style: chr19-38736259-G-A. GRCh37 (hg19) VCF-style: chr19-39226899-G-A.
Identifiers: ClinVar variation 3053830 (VCV003053830.2), dbSNP rs574197181, ClinGen allele CA9418716.